The following is an entry in ClinVar:

NM_001430.5(EPAS1):c.728C>A (p.Thr243Asn)

Genes: EPAS1 (endothelial PAS domain protein 1; plus strand), LOC126806210 (BRD4-independent group 4 enhancer GRCh37_chr2:46587586-46588785; plus strand). Cytogenetic location: 2p21.
Variant type: single nucleotide variant.
Coding change: c.728C>A on transcript NM_001430.5 (MANE Select); coding-DNA position 728, C replaced by A.
Protein change: p.Thr243Asn; replaces threonine 243 with asparagine.
Molecular consequence: missense variant.
Genome position (GRCh38, 1-based): chr2:46,361,039, C>A. VCF-style: chr2-46361039-C-A. GRCh37 (hg19) VCF-style: chr2-46588178-C-A.
Other names: short protein forms T243N.
Identifiers: ClinVar variation 1758094 (VCV001758094.2), dbSNP rs1255420619, ClinGen allele CA346700290.

ClinVar aggregate classification (germline): Uncertain significance (1 of 4 stars; one submission).

Conditions:
Inborn genetic diseases. Identifiers: MedGen C0950123, MeSH D030342.

gnomAD v4.1: 1 of 1,614,170 alleles (0.000062%); highest among the groups gnomAD compares: Non-Finnish European, 0.000085%; no homozygotes.

Submission:

Ambry Genetics
Classification: Uncertain significance for Inborn genetic diseases. Last evaluated: 2022-08-29. Review status: criteria provided, single submitter. Criteria: Ambry Variant Classification Scheme 2023. Collection method: clinical testing. Allele origin: germline.
Comment: The p.T243N variant (also known as c.728C>A), located in coding exon 6 of the EPAS1 gene, results from a C to A substitution at nucleotide position 728. The threonine at codon 243 is replaced by asparagine, an amino acid with similar properties. This amino acid position is conserved. In addition, this alteration is predicted to be tolerated by in silico analysis. Since supporting evidence is limited at this time, the clinical significance of this alteration remains unclear.